The following is an entry in ClinVar:

NM_007294.4(BRCA1):c.1638_1646delinsA (p.Met546fs)

Gene: BRCA1 (BRCA1 DNA repair associated; minus strand). Cytogenetic location: 17q21.31.
Variant type: Indel.
Coding change: c.1638_1646delinsA on transcript NM_007294.4 (MANE Select); coding-DNA positions 1638 to 1646, GAATATTAC replaced by A.
Protein change: p.Met546fs; shifts the reading frame from methionine 546.
Molecular consequence: frameshift variant. On other transcripts: intron variant (137).
Genome position (GRCh38, 1-based): chr17:43,093,885-43,093,893, GTAATATTC replaced by T on the plus strand (GAATATTAC replaced by A on the coding strand, the reverse complement: BRCA1 is on the minus strand). VCF-style: chr17-43093885-GTAATATTC-T. GRCh37 (hg19) VCF-style: chr17-41245902-GTAATATTC-T.
Other names: c.784+851_784+859delinsA (NM_001408397.1, NM_001408401.1, NM_001408396.1 and 13 more transcripts); c.664+851_664+859delinsA (NM_001408436.1, NM_001408444.1, NM_001408438.1 and 12 more transcripts); c.787+851_787+859delinsA (NM_001407980.1, NM_001407993.1, NM_001407976.1 and 19 more transcripts); c.652+851_652+859delinsA (NM_001408451.1); c.643+851_643+859delinsA (NM_001408464.1, NM_001408468.1, NM_001408465.1 and 3 more transcripts); c.523+851_523+859delinsA (NM_001408498.1, NM_001408501.1, NM_001408500.1 and 3 more transcripts); c.646+851_646+859delinsA (NM_001408467.1, NM_001408459.1, NM_001408455.1 and 11 more transcripts); c.583+851_583+859delinsA (NM_001408475.1); and 40 more; short protein forms M499fs, M546fs, M475fs, M476fs, M505fs, M543fs, M419fs, M478fs.
Identifiers: ClinVar variation 431217 (VCV000431217.2), dbSNP rs1135401846, ClinGen allele CA645373195.

ClinVar aggregate classification (germline): Pathogenic. Review status: reviewed by expert panel (3 of 4 stars). 2 submissions from 2 submitters: Pathogenic (1). 1 of the submissions does not count toward it. Last evaluated 2017-12-15.

Conditions:
Hereditary breast ovarian cancer syndrome. Also called: Hereditary breast and ovarian cancer syndrome (HBOC); BRCA1- and BRCA2-Associated Hereditary Breast and Ovarian Cancer; Hereditary breast and/or ovarian cancer syndrome; Hereditary breast and ovarian cancer syndrome; Hereditary breast and ovarian cancer; Breast and ovarian cancer. Identifiers: Orphanet 145, MedGen C0677776, MeSH D061325, MONDO:0003582. Disease mechanism: loss of function.
Breast-ovarian cancer, familial, susceptibility to, 1 (BROVCA1). Also called: BRCA1 Hereditary Breast and Ovarian Cancer; OVARIAN CANCER, SUSCEPTIBILITY TO. Identifiers: Orphanet 145, MedGen C2676676, MONDO:0011450, OMIM 604370. Disease mechanism: loss of function.

Submissions (2):

Evidence-based Network for the Interpretation of Germline Mutant Alleles (ENIGMA)
Classification: Pathogenic for Breast-ovarian cancer, familial, susceptibility to, 1. Last evaluated: 2017-12-15. Review status: reviewed by expert panel. Criteria: ENIGMA BRCA1/2 Classification Criteria (2017-06-29). Collection method: curation. Allele origin: germline. Study: ENIGMA.
Comment: Variant allele predicted to encode a truncated non-functional protein.

Research Molecular Genetics Laboratory, Women's College Hospital, University of Toronto
Classification: Pathogenic for Hereditary breast ovarian cancer syndrome. Last evaluated: 2014-01-31. Review status: no assertion criteria provided. Collection method: research. Allele origin: germline. Affected: yes. Study: The Canadian Open Genetics Repository (COGR). Not counted in ClinVar's aggregate classification.